The following is an entry in ClinVar:

NM_001379451.1(BCORL1):c.3756AGA[3] (p.Glu1257del)

Gene: BCORL1 (BCL6 corepressor like 1; plus strand). Cytogenetic location: Xq26.1.
Variant type: Microsatellite.
Coding change: c.3756AGA[3] on transcript NM_001379451.1 (MANE Select); three copies in a row of the 3-base unit AGA starting at c.3756; the reference has four copies in a row; one copy, 3 bases deleted.
Protein change: p.Glu1257del; deletes glutamic acid 1257.
Molecular consequence: inframe indel (on NM_021946.4).
Genome position (GRCh38, 1-based): chrX:130,025,066-130,025,068, AGA deleted; deleting any 3 consecutive bases within chrX:130,025,057-130,025,068 gives the same sequence; the position shown is the placement nearest the transcript's 3' end. VCF-style (leftmost placement, unchanged base first): chrX-130025056-CAGA-C. GRCh37 (hg19) VCF-style: chrX-129159031-CAGA-C.
Other names: c.3756AGA[3], p.Glu1257del (NM_001184772.3, NM_001379450.1, NM_021946.5); c.3756_3758AGA[3], p.Glu1257del (NM_021946.4); c.3765_3767delAGA (NM_021946.4); short protein forms E1257del.
Identifiers: ClinVar variation 3036952 (VCV003036952.2), dbSNP rs764864152, ClinGen allele CA10514581.

ClinVar aggregate classification (germline): Likely benign (0 of 4 stars; one submission).

Conditions:
BCORL1-related disorder. Also called: BCORL1-related condition.

Submission:

PreventionGenetics, part of Exact Sciences
Classification: Likely benign for BCORL1-related condition. Last evaluated: 2022-10-11. Review status: no assertion criteria provided. Collection method: clinical testing. Allele origin: germline.
Comment: This variant is classified as likely benign based on ACMG/AMP sequence variant interpretation guidelines (Richards et al. 2015 PMID: 25741868, with internal and published modifications).